The following is an entry in ClinVar:

ClinVar aggregate classification (germline): Uncertain significance (1 of 4 stars; one submission).

Conditions:
Autosomal recessive limb-girdle muscular dystrophy type 2T. Also called: MUSCULAR DYSTROPHY-DYSTROGLYCANOPATHY, LIMB-GIRDLE, GMPPB-RELATED; MUSCULAR DYSTROPHY, LIMB-GIRDLE, TYPE 2T; Limb-girdle muscular dystrophy-dystroglycanopathy, type C14; Muscular dystrophy-dystroglycanopathy (limb-girdle), type c, 14. Identifiers: Orphanet 363623, MedGen C4518000, MONDO:0014142, OMIM 615352.
Muscular dystrophy-dystroglycanopathy (congenital with impaired intellectual development), type B, 14. Also called: Muscular dystrophy-dystroglycanopathy (congenital with intellectual disability), type B14; MUSCULAR DYSTROPHY, CONGENITAL, GMPPB-RELATED; Congenital muscular dystrophy-dystroglycanopathy with mental retardation, type B14. Identifiers: MedGen C3809221, MONDO:0014141, OMIM 615351.
Muscular dystrophy-dystroglycanopathy (congenital with brain and eye anomalies), type A14. Also called: WALKER-WARBURG SYNDROME OR MUSCLE-EYE-BRAIN DISEASE, GMPPB-RELATED; Congenital Muscular Dystrophy-Dystroglycanopathy with Brain and Eye Anomalies Type A 14; Congenital muscular dystrophy-dystroglycanopathy with brain and eye anomalies, type A14; Muscular dystrophy-dystroglycanopathy (congenital with brain and eye anomalies), type a, 14. Identifiers: Orphanet 588, MedGen C3809216, MONDO:0014140, OMIM 615350.

Submission:

Labcorp Genetics (formerly Invitae), Labcorp
Classification: Uncertain significance for Autosomal recessive limb-girdle muscular dystrophy type 2T; Muscular dystrophy-dystroglycanopathy (congenital with brain and eye anomalies), type A14; Muscular dystrophy-dystroglycanopathy (congenital with impaired intellectual development), type B, 14. Last evaluated: 2022-08-08. Review status: criteria provided, single submitter. Criteria: Invitae Variant Classification Sherloc (09022015). Collection method: clinical testing. Allele origin: germline.
Comment: This sequence change replaces serine, which is neutral and polar, with phenylalanine, which is neutral and non-polar, at codon 57 of the GMPPB protein (p.Ser57Phe). Information on the frequency of this variant in the gnomAD database is not available, as this variant may be reported differently in the database. This variant has not been reported in the literature in individuals affected with GMPPB-related conditions. Algorithms developed to predict the effect of missense changes on protein structure and function are either unavailable or do not agree on the potential impact of this missense change (SIFT: "Not Available"; PolyPhen-2: "Probably Damaging"; Align-GVGD: "Not Available"). In summary, the available evidence is currently insufficient to determine the role of this variant in disease. Therefore, it has been classified as a Variant of Uncertain Significance.

NM_021971.4(GMPPB):c.170_171delinsTC (p.Ser57Phe)

Gene: GMPPB (GDP-mannose pyrophosphorylase B; minus strand). Cytogenetic location: 3p21.31.
Variant type: Indel.
Coding change: c.170_171delinsTC on transcript NM_021971.4 (MANE Select); coding-DNA positions 170 to 171, CG replaced by TC.
Protein change: p.Ser57Phe; replaces serine 57 with phenylalanine.
Molecular consequence: missense variant.
Genome position (GRCh38, 1-based): chr3:49,723,431-49,723,432, CG replaced by GA on the plus strand (CG replaced by TC on the coding strand, the reverse complement: GMPPB is on the minus strand). VCF-style: chr3-49723431-CG-GA. GRCh37 (hg19) VCF-style: chr3-49760864-CG-GA.
Other names: c.170_171delinsTC, p.Ser57Phe (NM_013334.4); short protein forms S57F.
Identifiers: ClinVar variation 1715757 (VCV001715757.6), dbSNP rs2544757385, ClinGen allele CA2580070114.